The following is an entry in ClinVar:

ClinVar aggregate classification (germline): Conflicting classifications of pathogenicity. Review status: criteria provided, conflicting classifications (1 of 4 stars). 4 submissions from 4 submitters: Uncertain significance (3); Likely benign (1). Last evaluated 2025-10-06.

Conditions:
Hereditary cancer-predisposing syndrome. Also called: Hereditary Cancer Syndrome; Neoplastic Syndromes, Hereditary; Hereditary neoplastic syndrome; Tumor predisposition. Identifiers: Orphanet 140162, MedGen C0027672, MeSH D009386, MONDO:0015356.
POLD1-related polyposis and colorectal cancer syndrome (CRCS10). Also called: COLORECTAL CANCER, SUSCEPTIBILITY TO, ON CHROMOSOME 19q; Colorectal cancer 10; Colorectal cancer, susceptibility to, 10. Identifiers: Orphanet 220460, MedGen C2675481, MONDO:0012953, OMIM 612591.

Allele frequency attached by ClinVar (database versions not stated): TOPMed below 0.00001.
gnomAD v4.1: 3 of 1,611,430 alleles (0.00019%); highest among the groups gnomAD compares: Non-Finnish European, 0.00025%; no homozygotes.

Submissions (4):

Labcorp Genetics (formerly Invitae), Labcorp
Classification: Likely benign for POLD1-related polyposis and colorectal cancer syndrome. Last evaluated: 2025-10-06. Review status: criteria provided, single submitter. Criteria: Invitae Variant Classification Sherloc (09022015). Collection method: clinical testing. Allele origin: germline.

St. Jude Molecular Pathology, St. Jude Children's Research Hospital
Classification: Uncertain significance for POLD1-related polyposis and colorectal cancer syndrome. Last evaluated: 2025-06-17. Review status: criteria provided, single submitter. Criteria: St. Jude Assertion Criteria 2020. Collection method: clinical testing. Allele origin: germline.
Comment: The POLD1 c.1687-3C>A intronic change results in a C to A substitution at the -3 position of intron 13 of the POLD1 gene. Algorithms that predict the impact of sequence changes on splicing indicate that this variant likely does not affect splicing. This variant is absent in gnomAD v2.1.1. To our knowledge, this variant has not been reported in individuals with POLD1-related disease. In summary, the evidence currently available is insufficient to determine the clinical significance of this variant. It has therefore been classified as of uncertain significance.

Ambry Genetics
Classification: Uncertain significance for Hereditary cancer-predisposing syndrome. Last evaluated: 2024-12-11. Review status: criteria provided, single submitter. Criteria: Ambry Variant Classification Scheme 2023. Collection method: clinical testing. Allele origin: germline.
Comment: The c.1687-3C>A intronic variant results from a C to A substitution 3 nucleotides upstream from coding exon 13 in the POLD1 gene. This nucleotide position is well conserved in available vertebrate species. In silico splice site analysis predicts that this alteration will not have any significant effect on splicing. Based on the available evidence, the clinical significance of this variant remains unclear.

Quest Diagnostics Nichols Institute San Juan Capistrano
Classification: Uncertain significance. Last evaluated: 2019-02-26. Review status: criteria provided, single submitter. Criteria: Quest Diagnostics criteria. Collection method: clinical testing. Allele origin: germline.

NM_002691.4(POLD1):c.1687-3C>A

Gene: POLD1 (DNA polymerase delta 1, catalytic subunit; plus strand). Cytogenetic location: 19q13.33.
Variant type: single nucleotide variant.
Coding change: c.1687-3C>A on transcript NM_002691.4 (MANE Select); 3 bases into the intron before coding-DNA position 1687, C replaced by A.
Molecular consequence: intron variant.
Genome position (GRCh38, 1-based): chr19:50,407,324, C>A. VCF-style: chr19-50407324-C-A. GRCh37 (hg19) VCF-style: chr19-50910581-C-A.
Other names: c.1687-3C>A (LRG_785t2, LRG_785t1, NM_001256849.1 and 1 more transcripts).
Identifiers: ClinVar variation 239251 (VCV000239251.16), dbSNP rs878854525, ClinGen allele CA10583831.